The following is an entry in ClinVar:

ClinVar aggregate classification (germline): Uncertain significance (1 of 4 stars; one submission).

gnomAD v4.1: 2 of 1,518,006 alleles (0.00013%); highest among the groups gnomAD compares: Non-Finnish European, 0.00018%; no homozygotes.

Submission:

Labcorp Genetics (formerly Invitae), Labcorp
Classification: Uncertain significance. Last evaluated: 2022-08-23. Review status: criteria provided, single submitter. Criteria: Invitae Variant Classification Sherloc (09022015). Collection method: clinical testing. Allele origin: germline.
Comment: In summary, the available evidence is currently insufficient to determine the role of this variant in disease. Therefore, it has been classified as a Variant of Uncertain Significance. Algorithms developed to predict the effect of missense changes on protein structure and function are either unavailable or do not agree on the potential impact of this missense change (SIFT: "Deleterious"; PolyPhen-2: "Probably Damaging"; Align-GVGD: "Class C0"). ClinVar contains an entry for this variant (Variation ID: 1476362). This variant has not been reported in the literature in individuals affected with SPEG-related conditions. This variant is not present in population databases (gnomAD no frequency). This sequence change replaces arginine, which is basic and polar, with leucine, which is neutral and non-polar, at codon 2408 of the SPEG protein (p.Arg2408Leu).

NM_005876.5(SPEG):c.7223G>T (p.Arg2408Leu)

Genes: ASIC4-AS1 (ASIC4 antisense RNA 1; minus strand), SPEG (striated muscle enriched protein kinase; plus strand). Cytogenetic location: 2q35.
Variant type: single nucleotide variant.
Coding change: c.7223G>T on transcript NM_005876.5 (MANE Select); coding-DNA position 7223, G replaced by T.
Protein change: p.Arg2408Leu; replaces arginine 2408 with leucine.
Molecular consequence: missense variant.
Genome position (GRCh38, 1-based): chr2:219,484,686, G>T. VCF-style: chr2-219484686-G-T. GRCh37 (hg19) VCF-style: chr2-220349408-G-T.
Other names: short protein forms R2408L.
Identifiers: ClinVar variation 1476362 (VCV001476362.6), dbSNP rs1169788665, ClinGen allele CA350701401.
Genomic context (GRCh38, chr2:219,484,686, plus strand): 5'-CTGAGCGCTCACGCTCGGTGCAGGACCTCAGGGCTGTCGGAGAGCCTGGCCTCGTCCGCC[G>T]CCTCTCGCTGTCACTGTCCCAGCGGCTGCGGCGGACCCCTCCCGCGCAGCGCCACCCGGC-3'
Protein context (NP_005867.3, residues 2398-2418): RAVGEPGLVR[Arg2408Leu]LSLSLSQRLR